The following is an entry in ClinVar:

NM_004006.3(DMD):c.8324T>C (p.Leu2775Ser)

Gene: DMD (dystrophin; minus strand). Cytogenetic location: Xp21.1.
Variant type: single nucleotide variant.
Coding change: c.8324T>C on transcript NM_004006.3 (MANE Select); coding-DNA position 8324, T replaced by C.
Protein change: p.Leu2775Ser; replaces leucine 2775 with serine.
Molecular consequence: missense variant.
Genome position (GRCh38, 1-based): chrX:31,507,347, A>G on the plus strand (T>C on the coding strand, the complement: DMD is on the minus strand). VCF-style: chrX-31507347-A-G. GRCh37 (hg19) VCF-style: chrX-31525464-A-G.
Other names: c.8300T>C, p.Leu2767Ser (NM_000109.4); c.8312T>C, p.Leu2771Ser (NM_004009.3); c.7955T>C, p.Leu2652Ser (NM_004010.3); c.4301T>C, p.Leu1434Ser (NM_004011.4); c.4292T>C, p.Leu1431Ser (NM_004012.4); c.944T>C, p.Leu315Ser (NM_004013.3, NM_004020.4, NM_004021.3 and 2 more transcripts); c.137T>C, p.Leu46Ser (NM_004014.3); short protein forms L2652S, L2771S, L2775S, L46S, L1431S, L1434S, L2767S, L315S.
Identifiers: ClinVar variation 1349818 (VCV001349818.6), dbSNP rs1363319230, ClinGen allele CA412656218.

ClinVar aggregate classification (germline): Uncertain significance (1 of 4 stars; one submission).

Conditions:
Duchenne muscular dystrophy (DMD). Also called: MUSCULAR DYSTROPHY, PSEUDOHYPERTROPHIC PROGRESSIVE, DUCHENNE TYPE; Duchenne Muscular Dystrophy (DMD). Identifiers: Orphanet 98896, MedGen C0013264, MONDO:0010679, OMIM 310200.

Submission:

Labcorp Genetics (formerly Invitae), Labcorp
Classification: Uncertain significance for Duchenne muscular dystrophy. Last evaluated: 2022-08-16. Review status: criteria provided, single submitter. Criteria: Invitae Variant Classification Sherloc (09022015). Collection method: clinical testing. Allele origin: germline.
Comment: In summary, the available evidence is currently insufficient to determine the role of this variant in disease. Therefore, it has been classified as a Variant of Uncertain Significance. Algorithms developed to predict the effect of missense changes on protein structure and function (SIFT, PolyPhen-2, Align-GVGD) all suggest that this variant is likely to be disruptive. ClinVar contains an entry for this variant (Variation ID: 1349818). This sequence change replaces leucine, which is neutral and non-polar, with serine, which is neutral and polar, at codon 2775 of the DMD protein (p.Leu2775Ser). This variant is not present in population databases (gnomAD no frequency). This variant has not been reported in the literature in individuals affected with DMD-related conditions.